The following is an entry in ClinVar:

NM_032242.4(PLXNA1):c.1877C>T (p.Ala626Val)

Gene: PLXNA1 (plexin A1; plus strand). Cytogenetic location: 3q21.3.
Variant type: single nucleotide variant.
Coding change: c.1877C>T on transcript NM_032242.4 (MANE Select); coding-DNA position 1877, C replaced by T.
Protein change: p.Ala626Val; replaces alanine 626 with valine.
Molecular consequence: missense variant.
Genome position (GRCh38, 1-based): chr3:127,005,223, C>T. VCF-style: chr3-127005223-C-T. GRCh37 (hg19) VCF-style: chr3-126724066-C-T.
Other names: short protein forms A626V.
Identifiers: ClinVar variation 4990137 (VCV004990137.1).

ClinVar aggregate classification (germline): Uncertain significance (1 of 4 stars; one submission).

Conditions:
PLXNA1-related disorder. Also called: PLXNA1-related condition.

gnomAD v4.1: 9 of 1,608,950 alleles (0.00056%); highest among the groups gnomAD compares: East Asian, 0.0045%; no homozygotes.

Submission:

PreventionGenetics, part of Exact Sciences
Classification: Uncertain significance for PLXNA1-related condition. Last evaluated: 2026-09-08. Review status: criteria provided, single submitter. Criteria: ACMG Guidelines, 2015. Collection method: clinical testing. Allele origin: germline.
Comment: The PLXNA1 c.1877C>T variant is predicted to result in the amino acid substitution p.Ala626Val. To our knowledge, this variant has not been reported in the literature. This variant is reported in 0.011% of alleles in individuals of East Asian descent in gnomAD. At this time, the clinical significance of this variant is uncertain due to the absence of conclusive functional and genetic evidence.